The following is an entry in ClinVar:

NM_020297.4(ABCC9):c.3820G>A (p.Val1274Ile)

Genes: ABCC9 (ATP binding cassette subfamily C member 9; minus strand), KCNJ8-AS1 (KCNJ8 antisense RNA 1; plus strand). Cytogenetic location: 12p12.1.
Variant type: single nucleotide variant.
Coding change: c.3820G>A on transcript NM_020297.4 (MANE Select); coding-DNA position 3820, G replaced by A.
Protein change: p.Val1274Ile; replaces valine 1274 with isoleucine.
Molecular consequence: missense variant.
Genome position (GRCh38, 1-based): chr12:21,817,259, C>T on the plus strand (G>A on the coding strand, the complement: ABCC9 is on the minus strand). VCF-style: chr12-21817259-C-T. GRCh37 (hg19) VCF-style: chr12-21970193-C-T.
Other names: c.3820G>A, p.Val1274Ile (NM_001377273.1, NM_005691.4); c.2953G>A, p.Val985Ile (NM_001377274.1); short protein forms V1274I, V985I.
Identifiers: ClinVar variation 1914653 (VCV001914653.6), dbSNP rs2137187633, ClinGen allele CA384136549.

ClinVar aggregate classification (germline): Uncertain significance. Review status: criteria provided, multiple submitters, no conflicts (2 of 4 stars). 2 submissions from 2 submitters: Uncertain significance (2). Last evaluated 2026-08-29.

Conditions:
Cardiovascular phenotype. Identifiers: MedGen CN230736.
Dilated cardiomyopathy 1O (CMD1O). Also called: CARDIOMYOPATHY, DILATED, WITH VENTRICULAR TACHYCARDIA. Identifiers: Orphanet 154, MedGen C1837839, MONDO:0012062, OMIM 608569.

Allele frequency attached by ClinVar (database versions not stated): gnomAD exomes below 0.00001.
gnomAD v4.1: 2 of 1,613,788 alleles (0.00012%); highest among the groups gnomAD compares: South Asian, 0.0011%; no homozygotes.

Submissions (2):

Ambry Genetics
Classification: Uncertain significance for Cardiovascular phenotype. Last evaluated: 2026-08-29. Review status: criteria provided, single submitter. Criteria: Ambry Variant Classification Scheme 2023. Collection method: clinical testing. Allele origin: germline.
Comment: The p.V1274I variant (also known as c.3820G>A), located in coding exon 31 of the ABCC9 gene, results from a G to A substitution at nucleotide position 3820. The valine at codon 1274 is replaced by isoleucine, an amino acid with highly similar properties. This amino acid position is conserved. In addition, the in silico prediction for this alteration is inconclusive. Based on the available evidence, the clinical significance of this variant remains unclear.

Labcorp Genetics (formerly Invitae), Labcorp
Classification: Uncertain significance for Dilated cardiomyopathy 1O. Last evaluated: 2022-05-22. Review status: criteria provided, single submitter. Criteria: Invitae Variant Classification Sherloc (09022015). Collection method: clinical testing. Allele origin: germline.
Comment: Algorithms developed to predict the effect of missense changes on protein structure and function (SIFT, PolyPhen-2, Align-GVGD) all suggest that this variant is likely to be tolerated. In summary, the available evidence is currently insufficient to determine the role of this variant in disease. Therefore, it has been classified as a Variant of Uncertain Significance. This variant has not been reported in the literature in individuals affected with ABCC9-related conditions. This sequence change replaces valine, which is neutral and non-polar, with isoleucine, which is neutral and non-polar, at codon 1274 of the ABCC9 protein (p.Val1274Ile). This variant is not present in population databases (gnomAD no frequency).